The following is an entry in ClinVar:

NM_000875.5(IGF1R):c.1915G>A (p.Gly639Ser)

Gene: IGF1R (insulin like growth factor 1 receptor; plus strand). Cytogenetic location: 15q26.3.
Variant type: single nucleotide variant.
Coding change: c.1915G>A on transcript NM_000875.5 (MANE Select); coding-DNA position 1915, G replaced by A.
Protein change: p.Gly639Ser; replaces glycine 639 with serine.
Molecular consequence: missense variant.
Genome position (GRCh38, 1-based): chr15:98,916,050, G>A. VCF-style: chr15-98916050-G-A. GRCh37 (hg19) VCF-style: chr15-99459279-G-A.
Other names: c.1915G>A, p.Gly639Ser (NM_001291858.2); short protein forms G639S.
Identifiers: ClinVar variation 2777472 (VCV002777472.4), dbSNP rs2151681311, ClinGen allele CA393679787.

ClinVar aggregate classification (germline): Conflicting classifications of pathogenicity. Review status: criteria provided, conflicting classifications (1 of 4 stars). 2 submissions from 2 submitters: Likely pathogenic (1); Uncertain significance (1). Last evaluated 2024-02-16.

Conditions:
IGF1R-related disorder. Also called: IGF1R-related condition.

Allele frequency attached by ClinVar (database versions not stated): gnomAD exomes below 0.00001.
gnomAD v4.1: 2 of 1,614,118 alleles (0.00012%); highest among the groups gnomAD compares: Non-Finnish European, 0.00017%; no homozygotes.

Submissions (2):

Labcorp Genetics (formerly Invitae), Labcorp
Classification: Uncertain significance. Last evaluated: 2024-02-16. Review status: criteria provided, single submitter. Criteria: Invitae Variant Classification Sherloc (09022015). Collection method: clinical testing. Allele origin: germline.
Comment: This sequence change replaces glycine, which is neutral and non-polar, with serine, which is neutral and polar, at codon 639 of the IGF1R protein (p.Gly639Ser). This variant is not present in population databases (gnomAD no frequency). This variant has not been reported in the literature in individuals affected with IGF1R-related conditions. Advanced modeling of protein sequence and biophysical properties (such as structural, functional, and spatial information, amino acid conservation, physicochemical variation, residue mobility, and thermodynamic stability) performed at Invitae indicates that this missense variant is not expected to disrupt IGF1R protein function with a negative predictive value of 80%. Algorithms developed to predict the effect of sequence changes on RNA splicing suggest that this variant may create or strengthen a splice site. In summary, the available evidence is currently insufficient to determine the role of this variant in disease. Therefore, it has been classified as a Variant of Uncertain Significance.

Blueprint Genetics
Classification: Likely pathogenic for IGF1R-related disorders. Last evaluated: 2023-09-06. Review status: criteria provided, single submitter. Criteria: ACMG Guidelines, 2015. Collection method: clinical testing. Allele origin: germline. Affected: yes. Observed: 4 variant alleles.